The following is an entry in ClinVar:

ClinVar aggregate classification (germline): Likely benign. Review status: criteria provided, multiple submitters, no conflicts (2 of 4 stars). 3 submissions from 3 submitters: Likely benign (2). 1 of the submissions does not count toward it. Last evaluated 2025-10-26.

Conditions:
STRADA-related disorder. Also called: STRADA-related condition.
Polyhydramnios, megalencephaly, and symptomatic epilepsy (PMSE). Also called: PMSE SYNDROME. Identifiers: Orphanet 500533, MedGen C1970203, MONDO:0012611, OMIM 611087.

Allele frequency attached by ClinVar (database versions not stated): ExAC 0.00006; ESP Exome Variant Server 0.00008; TOPMed 0.00009; gnomAD exomes 0.00010; gnomAD 0.00011.
gnomAD v4.1: 193 of 1,611,772 alleles (0.012%); highest among the groups gnomAD compares: Non-Finnish European, 0.016%; no homozygotes.

Submissions (3):

Labcorp Genetics (formerly Invitae), Labcorp
Classification: Likely benign for Polyhydramnios, megalencephaly, and symptomatic epilepsy. Last evaluated: 2025-10-26. Review status: criteria provided, single submitter. Criteria: Invitae Variant Classification Sherloc (09022015). Collection method: clinical testing. Allele origin: germline.

Blueprint Genetics
Classification: Likely benign. Last evaluated: 2024-05-10. Review status: criteria provided, single submitter. Criteria: ACMG Guidelines, 2015. Collection method: clinical testing. Allele origin: germline.

PreventionGenetics, part of Exact Sciences
Classification: Likely benign for STRADA-related condition. Last evaluated: 2019-05-06. Review status: no assertion criteria provided. Collection method: clinical testing. Allele origin: germline. Not counted in ClinVar's aggregate classification.
Comment: This variant is classified as likely benign based on ACMG/AMP sequence variant interpretation guidelines (Richards et al. 2015 PMID: 25741868, with internal and published modifications).

NM_001003787.4(STRADA):c.582-6C>T

Gene: STRADA (STE20 related adaptor alpha; minus strand). Cytogenetic location: 17q23.3.
Variant type: single nucleotide variant.
Coding change: c.582-6C>T on transcript NM_001003787.4 (MANE Select); 6 bases into the intron before coding-DNA position 582, C replaced by T.
Molecular consequence: intron variant.
Genome position (GRCh38, 1-based): chr17:63,707,424, G>A on the plus strand (C>T on the coding strand, the complement: STRADA is on the minus strand). VCF-style: chr17-63707424-G-A. GRCh37 (hg19) VCF-style: chr17-61784784-G-A.
Other names: c.471-6C>T (NM_001363789.1, NM_001003786.3, NM_153335.6); c.408-6C>T (NM_001363790.1, NM_001363791.1, NM_001003788.3); c.558-6C>T (NM_001363786.1); c.495-6C>T (NM_001165969.2, NM_001363787.1); c.450-6C>T (NM_001165970.2); c.582-6C>T (NM_001363788.1).
Identifiers: ClinVar variation 468886 (VCV000468886.14), dbSNP rs369276577, ClinGen allele CA8703331.
Genomic context (GRCh38, chr17:63,707,424, plus strand): 5'-AGACAGGTAGACCTTCCCATCCACAGAGATCAGGATGTGGCTGGCTTTGACACTCCTGGG[G>A]AAGCGGGGAGGGTGTCATGTCGAGAGCAGGAGCCCCTCCTGCTACAAATTTTTGGTCTTC-3'